The following is an entry in ClinVar:

ClinVar aggregate classification (germline): Pathogenic. Review status: criteria provided, multiple submitters, no conflicts (2 of 4 stars). 4 submissions from 4 submitters: Pathogenic (4). Last evaluated 2025-11-17.

Conditions:
Hereditary cancer-predisposing syndrome. Also called: Neoplastic Syndromes, Hereditary; Hereditary Cancer Syndrome; Tumor predisposition; Hereditary neoplastic syndrome. Identifiers: Orphanet 140162, MedGen C0027672, MeSH D009386, MONDO:0015356.
Familial cancer of breast. Also called: Hereditary breast cancer; BREAST CANCER, FAMILIAL; hereditary breast carcinoma. Identifiers: Orphanet 227535, MedGen C0346153, MONDO:0016419, OMIM 114480. Disease mechanism: loss of function.
Ataxia-telangiectasia syndrome (AT). Also called: LOUIS-BAR SYNDROME; Cerebello-oculocutaneous telangiectasia; Immunodeficiency with ataxia telangiectasia; Ataxia-telangiectasia, complementation group D; AT, COMPLEMENTATION GROUP C; Ataxia-telangiectasia, complementation group E. Identifiers: Orphanet 100, MedGen C0004135, MONDO:0008840, OMIM 208900.

Submissions (4):

Women's Health and Genetics/Laboratory Corporation of America, LabCorp
Classification: Pathogenic for Ataxia-telangiectasia syndrome. Last evaluated: 2025-11-17. Review status: criteria provided, single submitter. Criteria: LabCorp Variant Classification Summary - May 2015. Collection method: clinical testing. Allele origin: germline.
Comment: Variant summary: ATM c.6444dupA (p.Tyr2149IlefsX12) results in a premature termination codon, predicted to cause a truncation of the encoded protein or absence of the protein due to nonsense mediated decay, which are commonly known mechanisms for disease. The frequency data for this variant in gnomAD is considered unreliable, as metrics indicate poor data quality at this position. To our knowledge, no occurrence of c.6444dupA in individuals affected with ATM-related conditions and no experimental evidence demonstrating its impact on protein function have been reported. ClinVar contains an entry for this variant (Variation ID: 490653). Based on the evidence outlined above, the variant was classified as pathogenic.

Myriad Genetics, Inc.
Classification: Pathogenic for Familial cancer of breast. Last evaluated: 2024-01-29. Review status: criteria provided, single submitter. Criteria: Myriad Autosomal Dominant, Autosomal Recessive and X-Linked Classification Criteria (2023). Collection method: clinical testing. Allele origin: unknown.
Comment: This variant is considered pathogenic. This variant creates a frameshift predicted to result in premature protein truncation.

Color Diagnostics, LLC DBA Color Health
Classification: Pathogenic for Hereditary cancer-predisposing syndrome. Last evaluated: 2020-05-08. Review status: criteria provided, single submitter. Criteria: ACMG Guidelines, 2015. Collection method: clinical testing. Allele origin: germline.
Comment: This variant inserts 1 nucleotide in exon 44 of the ATM gene, creating a frameshift and premature translation stop signal. This variant is expected to result in an absent or non-functional protein product. To our knowledge, this variant has not been reported in individuals affected with hereditary cancer in the literature. This variant has not been identified in the general population by the Genome Aggregation Database (gnomAD). Loss of ATM function is a known mechanism of disease. Based on the available evidence, this variant is classified as Pathogenic.

Labcorp Genetics (formerly Invitae), Labcorp
Classification: Pathogenic for Ataxia-telangiectasia syndrome. Last evaluated: 2018-01-30. Review status: criteria provided, single submitter. Criteria: Invitae Variant Classification Sherloc (09022015). Collection method: clinical testing. Allele origin: germline.
Comment: For these reasons, this variant has been classified as Pathogenic. Loss-of-function variants in ATM are known to be pathogenic (PMID: 23807571, 25614872). This variant has not been reported in the literature in individuals with ATM-related disease. This variant is not present in population databases (ExAC no frequency). This sequence change creates a premature translational stop signal (p.Tyr2149Ilefs*12) in the ATM gene. It is expected to result in an absent or disrupted protein product.

Literature cited by the submitters: PubMed 23807571 (cited by Labcorp Genetics (formerly Invitae), Labcorp); PubMed 25614872 (cited by Labcorp Genetics (formerly Invitae), Labcorp).

NM_000051.4(ATM):c.6444dup (p.Tyr2149fs)

Genes: ATM (ATM serine/threonine kinase; plus strand), C11orf65 (chromosome 11 open reading frame 65; minus strand). Cytogenetic location: 11q22.3.
Variant type: Duplication.
Coding change: c.6444dup on transcript NM_000051.4 (MANE Select); coding-DNA position 6444, one base duplicated (A; older notation c.6444dupA).
Protein change: p.Tyr2149fs; shifts the reading frame from tyrosine 2149.
Molecular consequence: frameshift variant. On other transcripts: intron variant (2).
Genome position (GRCh38, 1-based): chr11:108,320,050, A duplicated; the last of 3 consecutive A bases (chr11:108,320,048-108,320,050); duplicating any one gives the same sequence. VCF-style (leftmost placement, unchanged base first): chr11-108320047-C-CA. GRCh37 (hg19) VCF-style: chr11-108190774-C-CA.
Other names: c.6444dupA (NM_000051.4, NM_000051.3); c.6444dup, p.Tyr2149fs (NM_001351834.2); c.641-10977dup (NM_001330368.2); c.*39-10977dup (NM_001351110.2); short protein forms Y2149fs.
Identifiers: ClinVar variation 490653 (VCV000490653.13), dbSNP rs1555116533, ClinGen allele CA658683719.